The following is an entry in ClinVar:

NM_005006.7(NDUFS1):c.476C>T (p.Ala159Val)

Gene: NDUFS1 (NADH:ubiquinone oxidoreductase core subunit S1; minus strand). Cytogenetic location: 2q33.3.
Variant type: single nucleotide variant.
Coding change: c.476C>T on transcript NM_005006.7 (MANE Select); coding-DNA position 476, C replaced by T.
Protein change: p.Ala159Val; replaces alanine 159 with valine.
Molecular consequence: missense variant.
Genome position (GRCh38, 1-based): chr2:206,147,606, G>A on the plus strand (C>T on the coding strand, the complement: NDUFS1 is on the minus strand). VCF-style: chr2-206147606-G-A. GRCh37 (hg19) VCF-style: chr2-207012330-G-A.
Other names: c.368C>T, p.Ala123Val (NM_001199981.2); c.143C>T, p.Ala48Val (NM_001199982.2); c.305C>T, p.Ala102Val (NM_001199983.2); c.518C>T, p.Ala173Val (NM_001199984.2); short protein forms A173V, A123V, A48V, A159V, A102V.
Identifiers: ClinVar variation 1030872 (VCV001030872.8), dbSNP rs764520533, ClinGen allele CA2070763.

ClinVar aggregate classification (germline): Uncertain significance. Review status: criteria provided, multiple submitters, no conflicts (2 of 4 stars). 2 submissions from 2 submitters: Uncertain significance (2). Last evaluated 2021-12-02.

Conditions:
Mitochondrial complex I deficiency, nuclear type 1. Also called: NADH-COENZYME Q REDUCTASE DEFICIENCY; MITOCHONDRIAL NADH DEHYDROGENASE COMPONENT OF COMPLEX I, DEFICIENCY OF. Identifiers: MedGen C6022305, MONDO:0100224, OMIM 252010.

Allele frequency attached by ClinVar (database versions not stated): TOPMed 0.00001; ExAC 0.00002; gnomAD 0.00002; gnomAD exomes 0.00002 and 0.00003.
gnomAD v4.1: 44 of 1,613,942 alleles (0.0027%); highest among the groups gnomAD compares: Non-Finnish European, 0.0037%; no homozygotes.

Submissions (2):

Labcorp Genetics (formerly Invitae), Labcorp
Classification: Uncertain significance. Last evaluated: 2021-12-02. Review status: criteria provided, single submitter. Criteria: Invitae Variant Classification Sherloc (09022015). Collection method: clinical testing. Allele origin: germline.
Comment: This variant is present in population databases (rs764520533, gnomAD 0.005%). In summary, the available evidence is currently insufficient to determine the role of this variant in disease. Therefore, it has been classified as a Variant of Uncertain Significance. Algorithms developed to predict the effect of missense changes on protein structure and function are either unavailable or do not agree on the potential impact of this missense change (SIFT: "Deleterious"; PolyPhen-2: "Probably Damaging"; Align-GVGD: "Class C0"). ClinVar contains an entry for this variant (Variation ID: 1030872). This variant has not been reported in the literature in individuals affected with NDUFS1-related conditions. This sequence change replaces alanine, which is neutral and non-polar, with valine, which is neutral and non-polar, at codon 159 of the NDUFS1 protein (p.Ala159Val).

Baylor Genetics
Classification: Uncertain significance for Mitochondrial complex I deficiency, nuclear type 1. Last evaluated: 2019-01-16. Review status: criteria provided, single submitter. Criteria: ACMG Guidelines, 2015. Collection method: clinical testing. Allele origin: unknown. Affected: yes.
Comment: This variant was determined to be of uncertain significance according to ACMG Guidelines, 2015 [PMID:25741868].